The following is an entry in ClinVar:

NM_020745.4(AARS2):c.1249C>T (p.Arg417Trp)

Gene: AARS2 (alanyl-tRNA synthetase 2, mitochondrial; minus strand). Cytogenetic location: 6p21.1.
Variant type: single nucleotide variant.
Coding change: c.1249C>T on transcript NM_020745.4 (MANE Select); coding-DNA position 1249, C replaced by T.
Protein change: p.Arg417Trp; replaces arginine 417 with tryptophan.
Molecular consequence: missense variant.
Genome position (GRCh38, 1-based): chr6:44,306,331, G>A on the plus strand (C>T on the coding strand, the complement: AARS2 is on the minus strand). VCF-style: chr6-44306331-G-A. GRCh37 (hg19) VCF-style: chr6-44274068-G-A.
Other names: short protein forms R417W.
Identifiers: ClinVar variation 1954669 (VCV001954669.8), dbSNP rs143703625, ClinGen allele CA3834388.

ClinVar aggregate classification (germline): Uncertain significance. Review status: criteria provided, multiple submitters, no conflicts (2 of 4 stars). 2 submissions from 2 submitters: Uncertain significance (2). Last evaluated 2022-03-20.

Conditions:
Leukoencephalopathy, progressive, with ovarian failure (LKENP). Identifiers: Orphanet 99853, MedGen C4014588, MONDO:0014387, OMIM 615889.
Combined oxidative phosphorylation defect type 8. Also called: CARDIOMYOPATHY, HYPERTROPHIC MITOCHONDRIAL, FATAL INFANTILE. Identifiers: Orphanet 319504, MedGen C4518839, MONDO:0013570, OMIM 614096.

gnomAD v4.1: 17 of 1,613,990 alleles (0.0011%); highest among the groups gnomAD compares: East Asian, 0.0045%; no homozygotes.

Submissions (3):

Labcorp Genetics (formerly Invitae), Labcorp
Classification: Uncertain significance. Last evaluated: 2022-03-20. Review status: criteria provided, single submitter. Criteria: Invitae Variant Classification Sherloc (09022015). Collection method: clinical testing. Allele origin: germline.
Comment: In summary, the available evidence is currently insufficient to determine the role of this variant in disease. Therefore, it has been classified as a Variant of Uncertain Significance. Algorithms developed to predict the effect of sequence changes on RNA splicing suggest that this variant may create or strengthen a splice site. Advanced modeling of protein sequence and biophysical properties (such as structural, functional, and spatial information, amino acid conservation, physicochemical variation, residue mobility, and thermodynamic stability) performed at Invitae indicates that this missense variant is not expected to disrupt AARS2 protein function. This variant has not been reported in the literature in individuals affected with AARS2-related conditions. This variant is present in population databases (rs143703625, gnomAD 0.02%). This sequence change replaces arginine, which is basic and polar, with tryptophan, which is neutral and slightly polar, at codon 417 of the AARS2 protein (p.Arg417Trp).

Juno Genomics, Hangzhou Juno Genomics, Inc
Classification: Uncertain significance for Combined oxidative phosphorylation defect type 8; Leukoencephalopathy, progressive, with ovarian failure. Review status: criteria provided, single submitter. Criteria: ACMG Guidelines, 2015. Collection method: clinical testing. Allele origin: germline.
Comment: Absent from controls (or at extremely low frequency if recessive) in Genome Aggregation Database.

Dr. Peter K. Rogan Lab, Western University
No classification provided (evidence only). Condition: Malignant lymphoma, large B-cell, diffuse. Review status: no classification provided. Collection method: in vitro. Allele origin: not applicable. Functional consequence: retained intron. Not counted in ClinVar's aggregate classification.